The following is an entry in ClinVar:

NM_182914.3(SYNE2):c.16141C>T (p.Gln5381Ter)

Gene: SYNE2 (spectrin repeat containing nuclear envelope protein 2; plus strand). Cytogenetic location: 14q23.2.
Variant type: single nucleotide variant.
Coding change: c.16141C>T on transcript NM_182914.3 (MANE Select); coding-DNA position 16141, C replaced by T.
Protein change: p.Gln5381Ter; replaces glutamine 5381 with a stop codon.
Molecular consequence: nonsense.
Genome position (GRCh38, 1-based): chr14:64,162,118, C>T. VCF-style: chr14-64162118-C-T. GRCh37 (hg19) VCF-style: chr14-64628836-C-T.
Other names: c.16141C>T, p.Gln5381Ter (NM_015180.6); c.16141C>T (NM_182914.2); short protein forms Q5381*.
Identifiers: ClinVar variation 1056772 (VCV001056772.9), dbSNP rs2153715425, ClinGen allele CA389956849.
Genomic context (GRCh38, chr14:64,162,118, plus strand): 5'-CGTTGCACTGACAGGTGGACTCAGGTGAACCAAGCCATTGCAGACCAGTTGCAGAAGGCC[C>T]AGAGTCTGCTCCAGCTCTGGAAGGCCTATAGCAATGCTCATGGTGAAGCTGCCGCAAGGC-3'

ClinVar aggregate classification (germline): Uncertain significance. Review status: criteria provided, multiple submitters, no conflicts (2 of 4 stars). 2 submissions from 2 submitters: Uncertain significance (2). Last evaluated 2024-01-16.

Conditions:
Emery-Dreifuss muscular dystrophy 5, autosomal dominant (EDMD5). Also called: EMERY-DREIFUSS MUSCULAR DYSTROPHY 5. Identifiers: Orphanet 261, MedGen C2751805, MONDO:0013072, OMIM 612999.

Submissions (2):

Revvity Omics, Revvity
Classification: Uncertain significance for Emery-Dreifuss muscular dystrophy 5, autosomal dominant. Last evaluated: 2024-01-16. Review status: criteria provided, single submitter. Criteria: ACMG Guidelines, 2015. Collection method: clinical testing. Allele origin: germline.

Labcorp Genetics (formerly Invitae), Labcorp
Classification: Uncertain significance for Emery-Dreifuss muscular dystrophy 5, autosomal dominant. Last evaluated: 2022-08-09. Review status: criteria provided, single submitter. Criteria: Invitae Variant Classification Sherloc (09022015). Collection method: clinical testing. Allele origin: germline.
Comment: In summary, the available evidence is currently insufficient to determine the role of this variant in disease. Therefore, it has been classified as a Variant of Uncertain Significance. ClinVar contains an entry for this variant (Variation ID: 1056772). This variant has not been reported in the literature in individuals affected with SYNE2-related conditions. This variant is not present in population databases (gnomAD no frequency). This sequence change creates a premature translational stop signal (p.Gln5381*) in the SYNE2 gene. It is expected to result in an absent or disrupted protein product. However, the current clinical and genetic evidence is not sufficient to establish whether loss-of-function variants in SYNE2 cause disease.